The following is an entry in ClinVar:

NM_001370298.3(FGD4):c.595C>T (p.Pro199Ser)

Gene: FGD4 (FYVE, RhoGEF and PH domain containing 4; plus strand). Cytogenetic location: 12p11.21.
Variant type: single nucleotide variant.
Coding change: c.595C>T on transcript NM_001370298.3 (MANE Select); coding-DNA position 595, C replaced by T.
Protein change: p.Pro199Ser; replaces proline 199 with serine.
Molecular consequence: missense variant. On other transcripts: 5 prime UTR variant (5), non-coding transcript variant (1), intron variant (1).
Genome position (GRCh38, 1-based): chr12:32,582,051, C>T. VCF-style: chr12-32582051-C-T. GRCh37 (hg19) VCF-style: chr12-32734985-C-T.
Other names: c.439C>T, p.Pro147Ser (NM_001304481.2); c.-661C>T (NM_001304483.2); c.-968C>T (NM_001304484.2); c.-96C>T (NM_001330373.2, NM_001330374.2, NM_001384130.1); c.595C>T, p.Pro199Ser (NM_001384126.1); c.184C>T, p.Pro62Ser (NM_001384127.1, NM_001384128.1, NM_001384131.1 and 3 more transcripts); c.49-16446C>T (NM_001370297.1); short protein forms P147S, P62S, P199S.
Identifiers: ClinVar variation 543372 (VCV000543372.10), dbSNP rs1555209302, ClinGen allele CA384355700.

ClinVar aggregate classification (germline): Uncertain significance (1 of 4 stars; one submission).

Conditions:
Charcot-Marie-Tooth disease type 4. Also called: Charcot-Marie-Tooth, Type 4; Charcot-Marie-Tooth disease, type IV. Identifiers: Orphanet 64749, MedGen C4082197, MONDO:0018995.

Allele frequency attached by ClinVar (database versions not stated): gnomAD 0.00001.
gnomAD v4.1: 2 of 1,614,060 alleles (0.00012%); highest among the groups gnomAD compares: African/African-American, 0.0013%; no homozygotes.

Submission:

Labcorp Genetics (formerly Invitae), Labcorp
Classification: Uncertain significance for Charcot-Marie-Tooth disease type 4. Last evaluated: 2019-05-03. Review status: criteria provided, single submitter. Criteria: Invitae Variant Classification Sherloc (09022015). Collection method: clinical testing. Allele origin: germline.
Comment: This sequence change replaces proline with serine at codon 62 of the FGD4 protein (p.Pro62Ser). The proline residue is highly conserved and there is a moderate physicochemical difference between proline and serine. This variant is not present in population databases (ExAC no frequency). This variant has not been reported in the literature in individuals with FGD4-related disease. Algorithms developed to predict the effect of missense changes on protein structure and function (SIFT, PolyPhen-2, Align-GVGD) all suggest that this variant is likely to be tolerated, but these predictions have not been confirmed by published functional studies and their clinical significance is uncertain. In summary, the available evidence is currently insufficient to determine the role of this variant in disease. Therefore, it has been classified as a Variant of Uncertain Significance.